The following is an entry in ClinVar:

ClinVar aggregate classification (germline): Likely benign (0 of 4 stars; one submission).

Conditions:
EPPK1-related disorder. Also called: EPPK1-related condition.

Allele frequency attached by ClinVar (database versions not stated): gnomAD exomes 0.00007; ESP Exome Variant Server 0.00008; ExAC 0.00009; gnomAD 0.00010; TOPMed 0.00012.

Submission:

PreventionGenetics, part of Exact Sciences
Classification: Likely benign for EPPK1-related condition. Last evaluated: 2021-06-10. Review status: no assertion criteria provided. Collection method: clinical testing. Allele origin: germline.
Comment: This variant is classified as likely benign based on ACMG/AMP sequence variant interpretation guidelines (Richards et al. 2015 PMID: 25741868, with internal and published modifications).

NM_031308.4(EPPK1):c.5016C>T (p.Ile1672=)

Gene: EPPK1 (epiplakin 1; minus strand). Cytogenetic location: 8q24.3.
Variant type: single nucleotide variant.
Coding change: c.5016C>T on transcript NM_031308.4 (MANE Select); coding-DNA position 5016, C replaced by T.
Protein change: p.Ile1672=; no amino-acid change (isoleucine 1672 retained).
Molecular consequence: synonymous variant.
Genome position (GRCh38, 1-based): chr8:143,868,238, G>A on the plus strand (C>T on the coding strand, the complement: EPPK1 is on the minus strand). VCF-style: chr8-143868238-G-A. GRCh37 (hg19) VCF-style: chr8-144942406-G-A.
Identifiers: ClinVar variation 3036955 (VCV003036955.2), dbSNP rs375624528, ClinGen allele CA4922296.